The following is an entry in ClinVar:

ClinVar aggregate classification (germline): Uncertain significance (1 of 4 stars; one submission).

gnomAD v4.1: 1 of 1,613,400 alleles (0.000062%); no homozygotes.

Submission:

GeneDx
Classification: Uncertain significance. Last evaluated: 2014-08-01. Review status: criteria provided, single submitter. Criteria: GeneDx Variant Classification (06012015). Collection method: clinical testing. Allele origin: germline. Affected: yes.
Comment: Missense variants in the TTN gene are considered 'unclassified' if they are not previously reported in the literature and do not have >1% frequency in the population to be considered a polymorphism. Research indicates that truncating mutations in the TTN gene are expected to account for approximately 25% of familial and 18% of sporadic idiopathic DCM; however, truncating variants in the TTN gene have been reported in approximately 3% of reported control alleles. There has been little investigation into non-truncating variants. (Herman D et al. Truncations of titin causing dilated cardiomyopathy. N Eng J Med 366:619-628, 2012) The variant is found in DCM-CRDM panel(s).

NM_001267550.2(TTN):c.88012C>A (p.Pro29338Thr)

Genes: TTN (titin; minus strand), TTN-AS1 (TTN antisense RNA 1; plus strand). Cytogenetic location: 2q31.2.
Variant type: single nucleotide variant.
Coding change: c.88012C>A on transcript NM_001267550.2 (MANE Select); coding-DNA position 88012, C replaced by A.
Protein change: p.Pro29338Thr; replaces proline 29338 with threonine.
Molecular consequence: missense variant.
Genome position (GRCh38, 1-based): chr2:178,557,142, G>T on the plus strand (C>A on the coding strand, the complement: TTN is on the minus strand). VCF-style: chr2-178557142-G-T. GRCh37 (hg19) VCF-style: chr2-179421869-G-T.
Other names: p.P27697T:CCC>ACC; c.83089C>A, p.Pro27697Thr (NM_001256850.1); c.60817C>A, p.Pro20273Thr (NM_003319.4); c.80308C>A, p.Pro26770Thr (NM_133378.4); c.61192C>A, p.Pro20398Thr (NM_133432.3); c.61393C>A, p.Pro20465Thr (NM_133437.4); short protein forms P27697T, P29338T, P20398T, P20465T, P20273T, P26770T.
Identifiers: ClinVar variation 202947 (VCV000202947.2), dbSNP rs774162189, ClinGen allele CA310775.